The following is an entry in ClinVar:

ClinVar aggregate classification (germline): Likely benign. Review status: criteria provided, multiple submitters, no conflicts (2 of 4 stars). 3 submissions from 3 submitters: Likely benign (2). 1 of the submissions does not count toward it. Last evaluated 2025-11-21.

Conditions:
CARD14-related disorder. Also called: CARD14-related condition.
Psoriasis 2. Identifiers: MedGen C1864497, MONDO:0011269, OMIM 602723.
Pityriasis rubra pilaris (PRP). Also called: Pityriasis rubra pilaris--familial type. Identifiers: Orphanet 2897, MedGen C0032027, MONDO:0100017, OMIM 173200, MONDO:0008251.

gnomAD v4.1: 51 of 1,607,346 alleles (0.0032%); highest among the groups gnomAD compares: Admixed American, 0.015%; no homozygotes.

Submissions (3):

Labcorp Genetics (formerly Invitae), Labcorp
Classification: Likely benign for Pityriasis rubra pilaris; Psoriasis 2. Last evaluated: 2025-11-21. Review status: criteria provided, single submitter. Criteria: Invitae Variant Classification Sherloc (09022015). Collection method: clinical testing. Allele origin: germline.

Blueprint Genetics
Classification: Likely benign. Last evaluated: 2020-04-16. Review status: criteria provided, single submitter. Criteria: ACMG Guidelines, 2015. Collection method: clinical testing. Allele origin: germline.

PreventionGenetics, part of Exact Sciences
Classification: Likely benign for CARD14-related condition. Last evaluated: 2019-10-14. Review status: no assertion criteria provided. Collection method: clinical testing. Allele origin: germline. Not counted in ClinVar's aggregate classification.
Comment: This variant is classified as likely benign based on ACMG/AMP sequence variant interpretation guidelines (Richards et al. 2015 PMID: 25741868, with internal and published modifications).

NM_001366385.1(CARD14):c.1594+9G>A

Gene: CARD14 (caspase recruitment domain family member 14; plus strand). Cytogenetic location: 17q25.3.
Variant type: single nucleotide variant.
Coding change: c.1594+9G>A on transcript NM_001366385.1 (MANE Select); 9 bases into the intron after coding-DNA position 1594, G replaced by A.
Molecular consequence: intron variant.
Genome position (GRCh38, 1-based): chr17:80,195,661, G>A. VCF-style: chr17-80195661-G-A. GRCh37 (hg19) VCF-style: chr17-78169460-G-A.
Other names: c.1594+9G>A (NM_024110.4, NM_001257970.1); c.883+9G>A (NM_052819.3).
Identifiers: ClinVar variation 1103668 (VCV001103668.12), dbSNP rs779044291, ClinGen allele CA8816881.